The following is an entry in ClinVar:

ClinVar aggregate classification (germline): Pathogenic (1 of 4 stars; one submission).

Conditions:
Peroxisome biogenesis disorder 2B (PBD2B). Identifiers: Orphanet 44, MedGen C3550234, MONDO:0008736, OMIM 202370.

Allele frequency attached by ClinVar (database versions not stated): gnomAD exomes below 0.00001.
gnomAD v4.1: 1 of 1,614,216 alleles (0.000062%); highest among the groups gnomAD compares: Non-Finnish European, 0.000085%; no homozygotes.

Submission:

Labcorp Genetics (formerly Invitae), Labcorp
Classification: Pathogenic for Peroxisome biogenesis disorder 2B. Last evaluated: 2022-10-08. Review status: criteria provided, single submitter. Criteria: Invitae Variant Classification Sherloc (09022015). Collection method: clinical testing. Allele origin: germline.
Comment: For these reasons, this variant has been classified as Pathogenic. This variant has not been reported in the literature in individuals affected with PEX5-related conditions. This variant is not present in population databases (gnomAD no frequency). This sequence change creates a premature translational stop signal (p.Gln26*) in the PEX5 gene. It is expected to result in an absent or disrupted protein product. Loss-of-function variants in PEX5 are known to be pathogenic (PMID: 18712838, 21031596).

Literature cited by the submitters: PubMed 18712838; PubMed 21031596.

NM_001351132.2(PEX5):c.76C>T (p.Gln26Ter)

Gene: PEX5 (peroxisomal biogenesis factor 5; plus strand). Cytogenetic location: 12p13.31.
Variant type: single nucleotide variant.
Coding change: c.76C>T on transcript NM_001351132.2 (MANE Select); coding-DNA position 76, C replaced by T.
Protein change: p.Gln26Ter; replaces glutamine 26 with a stop codon.
Molecular consequence: nonsense.
Genome position (GRCh38, 1-based): chr12:7,190,453, C>T. VCF-style: chr12-7190453-C-T. GRCh37 (hg19) VCF-style: chr12-7343049-C-T.
Other names: c.76C>T, p.Gln26Ter (NM_000319.5, NM_001131023.2, NM_001131024.2 and 22 more transcripts); short protein forms Q26*.
Identifiers: ClinVar variation 2034747 (VCV002034747.4), dbSNP rs2539799070, ClinGen allele CA383707575.